The following is an entry in ClinVar:

NM_207037.2(TCF12):c.118_145dup (p.Ser49fs)

Gene: TCF12 (transcription factor 12; plus strand). Cytogenetic location: 15q21.3.
Variant type: Duplication.
Coding change: c.118_145dup on transcript NM_207037.2 (MANE Select); coding-DNA positions 118 to 145, 28 bases duplicated (ACACTGGGAAGCAGTCAATTCAGTGGAT).
Protein change: p.Ser49fs; shifts the reading frame from serine 49.
Molecular consequence: frameshift variant. On other transcripts: 5 prime UTR variant (3).
Genome position (GRCh38, 1-based): chr15:56,921,068-56,921,095, ACACTGGGAAGCAGTCAATTCAGTGGAT duplicated; duplicating any 28 consecutive bases within chr15:56,921,067-56,921,095 gives the same sequence; the c. name uses the placement nearest the transcript's 3' end. VCF-style (leftmost placement, unchanged base first): chr15-56921066-C-CTACACTGGGAAGCAGTCAATTCAGTGGA. GRCh37 (hg19) VCF-style: chr15-57213264-C-CTACACTGGGAAGCAGTCAATTCAGTGGA.
Other names: c.118_145dup, p.Ser49fs (NM_001322151.2, NM_001322152.2, NM_001322157.3 and 8 more transcripts); c.-535_-508dup (NM_001322154.2); c.-119_-92dup (NM_001322156.2, NM_001322158.2); short protein forms S49fs.
Identifiers: ClinVar variation 4849997 (VCV004849997.1).

ClinVar aggregate classification (germline): Likely pathogenic (1 of 4 stars; one submission).

Conditions:
TCF12-related craniosynostosis. Also called: Craniosynostosis 3. Identifiers: Orphanet 35098, Orphanet 35099, Orphanet 672979, MedGen C3715051, MONDO:0014128, OMIM 615314.

Submission:

Variantyx, Inc.
Classification: Likely pathogenic for TCF12-related craniosynostosis. Last evaluated: 2026-01-05. Review status: criteria provided, single submitter. Criteria: Variantyx Assertion Criteria 2022. Collection method: clinical testing. Allele origin: de novo. Inheritance: Autosomal dominant inheritance. Affected: yes.
Comment: This is a frameshift variant in the TCF12 gene (OMIM: 600480). Pathogenic variants in this gene have been associated with autosomal dominant craniosynostosis 3. This variant introduces a premature termination codon in exon 3 out of 21 and is expected to result in loss of function, which is a known disease mechan. ism for TCF12 in this disorder (PMID: 23354436) (PVS1). It is absent from control populations (PM2) and it has not been reported in individuals with TCF12-related disorders in the databases available for review. Based on the current evidence, this variant is classified as likely pathogenic for autosomal dominant craniosynostosis 3.

Literature cited by the submitters: PubMed 23354436.